The following is an entry in ClinVar:

NM_001100.4(ACTA1):c.455-7C>A

Gene: ACTA1 (actin alpha 1, skeletal muscle; minus strand). Cytogenetic location: 1q42.13.
Variant type: single nucleotide variant.
Coding change: c.455-7C>A on transcript NM_001100.4 (MANE Select); 7 bases into the intron before coding-DNA position 455, C replaced by A.
Molecular consequence: intron variant.
Genome position (GRCh38, 1-based): chr1:229,432,438, G>T on the plus strand (C>A on the coding strand, the complement: ACTA1 is on the minus strand). VCF-style: chr1-229432438-G-T. GRCh37 (hg19) VCF-style: chr1-229568185-G-T.
Identifiers: ClinVar variation 1927461 (VCV001927461.5), dbSNP rs769482139, ClinGen allele CA1442855.

ClinVar aggregate classification (germline): Uncertain significance (1 of 4 stars; one submission).

Conditions:
Actin accumulation myopathy (CMYO2A). Also called: CONGENITAL MYOPATHY 2A, TYPICAL, AUTOSOMAL DOMINANT; Myopathy, actin, congenital, with cores; Nemaline myopathy 3, with intranuclear rods; Nemaline myopathy type 3; Myopathy, actin, congenital, with excess of thin myofilaments. Identifiers: Orphanet 98904, MedGen C3711389, MONDO:0008070, OMIM 161800.

Allele frequency attached by ClinVar (database versions not stated): ExAC 0.00001.

Submission:

Labcorp Genetics (formerly Invitae), Labcorp
Classification: Uncertain significance for Actin accumulation myopathy. Last evaluated: 2022-04-07. Review status: criteria provided, single submitter. Criteria: Invitae Variant Classification Sherloc (09022015). Collection method: clinical testing. Allele origin: germline.
Comment: Algorithms developed to predict the effect of sequence changes on RNA splicing suggest that this variant may create or strengthen a splice site. This variant has not been reported in the literature in individuals affected with ACTA1-related conditions. The frequency data for this variant in the population databases is considered unreliable, as metrics indicate poor data quality at this position in the gnomAD database. This sequence change falls in intron 3 of the ACTA1 gene. It does not directly change the encoded amino acid sequence of the ACTA1 protein. In summary, the available evidence is currently insufficient to determine the role of this variant in disease. Therefore, it has been classified as a Variant of Uncertain Significance.